The following is an entry in ClinVar:

NM_004393.6(DAG1):c.1553T>A (p.Ile518Asn)

Gene: DAG1 (dystroglycan 1; plus strand). Cytogenetic location: 3p21.31.
Variant type: single nucleotide variant.
Coding change: c.1553T>A on transcript NM_004393.6 (MANE Select); coding-DNA position 1553, T replaced by A.
Protein change: p.Ile518Asn; replaces isoleucine 518 with asparagine.
Molecular consequence: missense variant.
Genome position (GRCh38, 1-based): chr3:49,532,064, T>A. VCF-style: chr3-49532064-T-A. GRCh37 (hg19) VCF-style: chr3-49569497-T-A.
Other names: p.Ile518Asn; c.1553T>A, p.Ile518Asn (NM_001165928.4, NM_001177634.3, NM_001177635.3 and 18 more transcripts); short protein forms I518N.
Identifiers: ClinVar variation 4540880 (VCV004540880.1).
Genomic context (GRCh38, chr3:49,532,064, plus strand): 5'-AGCTCAAGAACCATATTGACAGGGTAGATGCCTGGGTTGGCACCTACTTTGAGGTGAAGA[T>A]CCCGTCAGACACTTTCTATGACCATGAGGACACCACCACTGACAAGCTGAAGCTGACCCT-3'
Protein context (NP_004384.5, residues 508-528): AWVGTYFEVK[Ile518Asn]PSDTFYDHED

ClinVar aggregate classification (germline): Uncertain significance (1 of 4 stars; one submission).

Submission:

Mayo Clinic Laboratories, Mayo Clinic
Classification: Uncertain significance. Last evaluated: 2025-01-22. Review status: criteria provided, single submitter. Criteria: ACMG Guidelines, 2015. Collection method: clinical testing. Allele origin: germline. Observed: 1 variant allele.
Comment: PP3, PM2_supporting